The following is an entry in ClinVar:

ClinVar aggregate classification (germline): Uncertain significance (1 of 4 stars; one submission).

Conditions:
Dyskeratosis congenita. Identifiers: Orphanet 1775, MedGen C0265965, MONDO:0015780.

Submission:

Ambry Genetics
Classification: Uncertain significance for Dyskeratosis congenita. Last evaluated: 2024-07-01. Review status: criteria provided, single submitter. Criteria: Ambry Variant Classification Scheme 2023. Collection method: clinical testing. Allele origin: germline.
Comment: The p.A918S variant (also known as c.2752G>T), located in coding exon 11 of the TERT gene, results from a G to T substitution at nucleotide position 2752. The alanine at codon 918 is replaced by serine, an amino acid with similar properties. This amino acid position is conserved. In addition, this alteration is predicted to be tolerated by in silico analysis. Based on the available evidence, the clinical significance of this variant remains unclear.

NM_198253.3(TERT):c.2752G>T (p.Ala918Ser)

Gene: TERT (telomerase reverse transcriptase; minus strand). Cytogenetic location: 5p15.33.
Variant type: single nucleotide variant.
Coding change: c.2752G>T on transcript NM_198253.3 (MANE Select); coding-DNA position 2752, G replaced by T.
Protein change: p.Ala918Ser; replaces alanine 918 with serine.
Molecular consequence: missense variant. On other transcripts: intron variant (1).
Genome position (GRCh38, 1-based): chr5:1,264,495, C>A on the plus strand (G>T on the coding strand, the complement: TERT is on the minus strand). VCF-style: chr5-1264495-C-A. GRCh37 (hg19) VCF-style: chr5-1264610-C-A.
Other names: c.2654+1969G>T (NM_001193376.3); short protein forms A918S.
Identifiers: ClinVar variation 3455156 (VCV003455156.1).
Genomic context (GRCh38, chr5:1,264,495, plus strand): 5'-GGGTATCCAGCAGCAGGCCGCACCAGGGGAATAGGCCGTGGGCCGGCATCTGAACAAAAG[C>A]CGTGCCACCCAGGGCCTCGTCTTCTACAGGGAAGTTCACCACTGTCTTCCGCAAGTTCAC-3'
Protein context (NP_937983.2, residues 908-928): PVEDEALGGT[Ala918Ser]FVQMPAHGLF